The following is an entry in ClinVar:

NM_000312.4(PROC):c.151C>T (p.Arg51Cys)

Gene: PROC (protein C, inactivator of coagulation factors Va and VIIIa; plus strand). Cytogenetic location: 2q14.3.
Variant type: single nucleotide variant.
Coding change: c.151C>T on transcript NM_000312.4 (MANE Select); coding-DNA position 151, C replaced by T.
Protein change: p.Arg51Cys; replaces arginine 51 with cysteine.
Molecular consequence: missense variant.
Genome position (GRCh38, 1-based): chr2:127,421,363, C>T. VCF-style: chr2-127421363-C-T. GRCh37 (hg19) VCF-style: chr2-128178939-C-T.
Other names: c.334C>T, p.Arg112Cys (NM_001375602.1); c.214C>T, p.Arg72Cys (NM_001375603.1, NM_001375604.1, NM_001375606.1); c.151C>T, p.Arg51Cys (NM_001375605.1, NM_001375608.1, NM_001375611.1 and 1 more transcripts); c.235C>T, p.Arg79Cys (NM_001375607.1); c.127C>T, p.Arg43Cys (NM_001375609.1); c.145C>T, p.Arg49Cys (NM_001375610.1); short protein forms R112C, R43C, R49C, R51C, R72C, R79C.
Identifiers: ClinVar variation 1676815 (VCV001676815.4), dbSNP rs764546127, ClinGen allele CA1859249.

ClinVar aggregate classification (germline): Pathogenic/Likely pathogenic. Review status: criteria provided, multiple submitters, no conflicts (2 of 4 stars). 3 submissions from 3 submitters: Pathogenic (2); Likely pathogenic (1). Last evaluated 2025-06-04.

Conditions:
Thrombophilia due to protein C deficiency, autosomal dominant. Also called: PROC DEFICIENCY, AUTOSOMAL DOMINANT; PROTEIN C DEFICIENCY, AUTOSOMAL DOMINANT. Identifiers: Orphanet 745, MedGen C2674321, MONDO:0008316, OMIM 176860. Disease mechanism: loss of function.
PROC-related disorder. Also called: PROC-related condition.

Allele frequency attached by ClinVar (database versions not stated): gnomAD exomes below 0.00001; ExAC 0.00001; TOPMed 0.00001.
gnomAD v4.1: 9 of 1,613,838 alleles (0.00056%); highest among the groups gnomAD compares: African/African-American, 0.0067%; no homozygotes.

Submissions (3):

Institute of Immunology and Genetics Kaiserslautern
Classification: Pathogenic for Thrombophilia due to protein C deficiency, autosomal dominant. Last evaluated: 2025-06-04. Review status: criteria provided, single submitter. Criteria: ACMG Guidelines, 2015. Collection method: clinical testing. Allele origin: germline. Affected: yes.
Comment: ACMG Criteria: PS3, PM1, PM2, PP3, PP5; Variant was found in heterozygous state.

MVZ Dr. Eberhard & Partner Dortmund
Classification: Pathogenic. Last evaluated: 2022-01-11. Review status: criteria provided, single submitter. Criteria: ACMG Guidelines, 2015. Collection method: clinical testing. Allele origin: unknown. Observed: 1 heterozygote.
Comment: This sequence change from C to T causees an amino acid change from Arginine to Cysteine at position 51. The affected amino acid is therefore present in a functional domain called Gamma-carboxygluatmic acid-rich (GLA) domain. The variant is present in very low frequency in controls (Exome Sequencing Project, 1000 Genomes Project, and Exome Aggregation Consortium). It is listed in the mutation database HGMD (CM950976) as disease causing, as well as the missense change at the same amino acid residue R51H is listed as pathogenic (HGMD: CM000420). Multiple literature sources associate this variant with PROC deficiency and show an increased frequency in patients affected by deficiency (PMIDs: 7482420, 10669160, 32717757). Wu et al. (PMID: 24051141) determined significantly reduced protein levels in HeLa cells with this variant and discusses possible effects on biological activity caused by presence of this variant in the functional domain. In conclusion, this variant was determined to be pathogenic according to ACMG Guidelines.

Blueprint Genetics
Classification: Likely pathogenic for PROC-related disorders. Last evaluated: 2020-10-28. Review status: criteria provided, single submitter. Criteria: ACMG Guidelines, 2015. Collection method: clinical testing. Allele origin: germline. Affected: yes. Observed: 1 variant allele.